The following is an entry in ClinVar:

ClinVar aggregate classification (germline): Uncertain significance (1 of 4 stars; one submission).

Conditions:
Candidiasis, familial, 9 (CANDF9). Identifiers: Orphanet 1334, MedGen C4225324, MONDO:0014642, OMIM 616445.

Allele frequency attached by ClinVar (database versions not stated): gnomAD 0.00001; gnomAD exomes 0.00001; TOPMed 0.00001; ExAC 0.00003.
gnomAD v4.1: 11 of 1,607,000 alleles (0.00068%); highest among the groups gnomAD compares: Admixed American, 0.0034%; no homozygotes.

Submission:

Labcorp Genetics (formerly Invitae), Labcorp
Classification: Uncertain significance for Candidiasis, familial, 9. Last evaluated: 2025-02-24. Review status: criteria provided, single submitter. Criteria: Invitae Variant Classification Sherloc (09022015). Collection method: clinical testing. Allele origin: germline.
Comment: This sequence change replaces glycine, which is neutral and non-polar, with glutamic acid, which is acidic and polar, at codon 406 of the IL17RC protein (p.Gly406Glu). This variant is present in population databases (rs769364951, gnomAD 0.01%). This variant has not been reported in the literature in individuals affected with IL17RC-related conditions. ClinVar contains an entry for this variant (Variation ID: 2882294). An algorithm developed to predict the effect of missense changes on protein structure and function (PolyPhen-2) suggests that this variant is likely to be tolerated. In summary, the available evidence is currently insufficient to determine the role of this variant in disease. Therefore, it has been classified as a Variant of Uncertain Significance.

NM_153460.4(IL17RC):c.1004G>A (p.Gly335Glu)

Gene: IL17RC (interleukin 17 receptor C; plus strand). Cytogenetic location: 3p25.3.
Variant type: single nucleotide variant.
Coding change: c.1004G>A on transcript NM_153460.4 (MANE Select); coding-DNA position 1004, G replaced by A.
Protein change: p.Gly335Glu; replaces glycine 335 with glutamic acid.
Molecular consequence: missense variant. On other transcripts: non-coding transcript variant (1).
Genome position (GRCh38, 1-based): chr3:9,928,431, G>A. VCF-style: chr3-9928431-G-A. GRCh37 (hg19) VCF-style: chr3-9970115-G-A.
Other names: c.1004G>A, p.Gly335Glu (NM_001203263.2, NM_001203264.2); c.959G>A, p.Gly320Glu (NM_001203265.2, NM_001367280.1, NM_001410711.1 and 1 more transcripts); c.965G>A, p.Gly322Glu (NM_001367278.1); c.884G>A, p.Gly295Glu (NM_001367279.1); c.1217G>A, p.Gly406Glu (NM_153461.4); short protein forms G406E, G322E, G295E, G320E, G335E.
Identifiers: ClinVar variation 2882294 (VCV002882294.3), dbSNP rs769364951, ClinGen allele CA2247100.